The following is an entry in ClinVar:

NM_001349074.2(TBC1D5):c.1918G>C (p.Val640Leu)

Gene: TBC1D5 (TBC1 domain family member 5; minus strand). Cytogenetic location: 3p24.3.
Variant type: single nucleotide variant.
Coding change: c.1918G>C on transcript NM_001349074.2 (MANE Select); coding-DNA position 1918, G replaced by C.
Protein change: p.Val640Leu; replaces valine 640 with leucine.
Molecular consequence: missense variant.
Genome position (GRCh38, 1-based): chr3:17,185,109, C>G on the plus strand (G>C on the coding strand, the complement: TBC1D5 is on the minus strand). VCF-style: chr3-17185109-C-G. GRCh37 (hg19) VCF-style: chr3-17226601-C-G.
Other names: NC_000003.11:g.17226601C>G; c.1918G>C, p.Val640Leu (NM_001134381.2, NM_001349073.2, NM_001349075.2); c.1852G>C, p.Val618Leu (NM_001349076.2, NM_001349077.2, NM_001349078.2 and 3 more transcripts); c.1873G>C, p.Val625Leu (NM_001349081.2); c.1510G>C, p.Val504Leu (NM_001349082.2, NM_001349083.2, NM_001349084.2 and 2 more transcripts); c.1444G>C, p.Val482Leu (NM_001349087.2, NM_001349088.2, NM_001349089.2 and 2 more transcripts); short protein forms V482L, V504L, V618L, V625L, V640L.
Identifiers: ClinVar variation 3056326 (VCV003056326.3), dbSNP rs149215404, ClinGen allele CA2281171.

ClinVar aggregate classification (germline): Likely benign (0 of 4 stars; one submission).

Conditions:
TBC1D5-related disorder. Also called: TBC1D5-related condition.

Allele frequency attached by ClinVar (database versions not stated): 1000 Genomes Project 0.00040; 1000 Genomes Project 30x 0.00047; TOPMed 0.00155; ESP Exome Variant Server 0.00161; ExAC 0.00201; gnomAD 0.00234; gnomAD exomes 0.00240.
gnomAD v4.1: 3,832 of 1,609,998 alleles (0.24%); highest among the groups gnomAD compares: Non-Finnish European, 0.28%; 6 homozygotes.

Submissions (8):

PreventionGenetics, part of Exact Sciences
Classification: Likely benign for TBC1D5-related condition. Last evaluated: 2022-03-09. Review status: no assertion criteria provided. Collection method: clinical testing. Allele origin: germline.
Comment: This variant is classified as likely benign based on ACMG/AMP sequence variant interpretation guidelines (Richards et al. 2015 PMID: 25741868, with internal and published modifications).

Dr. Peter K. Rogan Lab, Western University
No classification provided (evidence only). Condition: Lung cancer. Review status: no classification provided. Collection method: in vitro. Allele origin: not applicable. Functional consequence: retained intron. Not counted in ClinVar's aggregate classification.

Dr. Peter K. Rogan Lab, Western University
No classification provided (evidence only). Condition: Acute myeloid leukemia. Review status: no classification provided. Collection method: in vitro. Allele origin: not applicable. Functional consequence: retained intron. Not counted in ClinVar's aggregate classification.

Dr. Peter K. Rogan Lab, Western University
No classification provided (evidence only). Condition: Colon adenocarcinoma. Review status: no classification provided. Collection method: in vitro. Allele origin: not applicable. Functional consequence: retained intron. Not counted in ClinVar's aggregate classification.

Dr. Peter K. Rogan Lab, Western University
No classification provided (evidence only). Condition: Sarcoma. Review status: no classification provided. Collection method: in vitro. Allele origin: not applicable. Functional consequence: retained intron. Not counted in ClinVar's aggregate classification.

Dr. Peter K. Rogan Lab, Western University
No classification provided (evidence only). Condition: Thymoma. Review status: no classification provided. Collection method: in vitro. Allele origin: not applicable. Functional consequence: retained intron. Not counted in ClinVar's aggregate classification.

Dr. Peter K. Rogan Lab, Western University
No classification provided (evidence only). Condition: Malignant tumor of esophagus. Review status: no classification provided. Collection method: in vitro. Allele origin: not applicable. Functional consequence: retained intron. Not counted in ClinVar's aggregate classification.

Dr. Peter K. Rogan Lab, Western University
No classification provided (evidence only). Condition: Familial pancreatic carcinoma. Review status: no classification provided. Collection method: in vitro. Allele origin: not applicable. Functional consequence: retained intron. Not counted in ClinVar's aggregate classification.